The following is an entry in ClinVar:

ClinVar aggregate classification (germline): Conflicting classifications of pathogenicity. Review status: criteria provided, conflicting classifications (1 of 4 stars). 2 submissions from 2 submitters: Uncertain significance (1); Likely benign (1). Last evaluated 2024-10-02.

Conditions:
Inborn genetic diseases. Identifiers: MedGen C0950123, MeSH D030342.

Allele frequency attached by ClinVar (database versions not stated): TOPMed 0.00002; ESP Exome Variant Server 0.00008.
gnomAD v4.1: 54 of 1,614,030 alleles (0.0033%); highest among the groups gnomAD compares: South Asian, 0.0044%; no homozygotes.

Submissions (2):

Labcorp Genetics (formerly Invitae), Labcorp
Classification: Uncertain significance. Last evaluated: 2024-10-02. Review status: criteria provided, single submitter. Criteria: Invitae Variant Classification Sherloc (09022015). Collection method: clinical testing. Allele origin: germline.
Comment: This sequence change replaces alanine, which is neutral and non-polar, with threonine, which is neutral and polar, at codon 837 of the POLR1A protein (p.Ala837Thr). This variant is present in population databases (rs376902057, gnomAD 0.006%). This variant has not been reported in the literature in individuals affected with POLR1A-related conditions. ClinVar contains an entry for this variant (Variation ID: 1922530). Invitae Evidence Modeling of protein sequence and biophysical properties (such as structural, functional, and spatial information, amino acid conservation, physicochemical variation, residue mobility, and thermodynamic stability) indicates that this missense variant is not expected to disrupt POLR1A protein function with a negative predictive value of 80%. In summary, the available evidence is currently insufficient to determine the role of this variant in disease. Therefore, it has been classified as a Variant of Uncertain Significance.

Ambry Genetics
Classification: Likely benign for Inborn genetic diseases. Last evaluated: 2024-05-21. Review status: criteria provided, single submitter. Criteria: Ambry Variant Classification Scheme 2023. Collection method: clinical testing. Allele origin: germline.

NM_015425.6(POLR1A):c.2509G>A (p.Ala837Thr)

Gene: POLR1A (RNA polymerase I subunit A; minus strand). Cytogenetic location: 2p11.2.
Variant type: single nucleotide variant.
Coding change: c.2509G>A on transcript NM_015425.6 (MANE Select); coding-DNA position 2509, G replaced by A.
Protein change: p.Ala837Thr; replaces alanine 837 with threonine.
Molecular consequence: missense variant.
Genome position (GRCh38, 1-based): chr2:86,049,009, C>T on the plus strand (G>A on the coding strand, the complement: POLR1A is on the minus strand). VCF-style: chr2-86049009-C-T. GRCh37 (hg19) VCF-style: chr2-86276132-C-T.
Other names: c.2509G>A (NM_015425.3); short protein forms A837T.
Identifiers: ClinVar variation 1922530 (VCV001922530.6), dbSNP rs376902057, ClinGen allele CA51336555.
Genomic context (GRCh38, chr2:86,049,009, plus strand): 5'-CCCTCTGGTCCTTGCCCAGATGGGCATCCTGCCATTTTCCTCGGACCTCATCATATGATG[C>T]GGCTTCTGGCAGGTTTAATGCAGCCCTGACAGCCTAGAATGAGAACAGAAACACAGCGGA-3'
Protein context (NP_056240.2, residues 827-847): VRAALNLPEA[Ala837Thr]SYDEVRGKWQ